The following is an entry in ClinVar:

NM_001918.5(DBT):c.1061T>C (p.Leu354Ser)

Gene: DBT (dihydrolipoamide branched chain transacylase E2; minus strand). Cytogenetic location: 1p21.2.
Variant type: single nucleotide variant.
Coding change: c.1061T>C on transcript NM_001918.5 (MANE Select); coding-DNA position 1061, T replaced by C.
Protein change: p.Leu354Ser; replaces leucine 354 with serine.
Molecular consequence: missense variant.
Genome position (GRCh38, 1-based): chr1:100,206,593, A>G on the plus strand (T>C on the coding strand, the complement: DBT is on the minus strand). VCF-style: chr1-100206593-A-G. GRCh37 (hg19) VCF-style: chr1-100672149-A-G.
Other names: short protein forms L354S.
Identifiers: ClinVar variation 1487469 (VCV001487469.3), dbSNP rs1296308942, ClinGen allele CA341332198.

ClinVar aggregate classification (germline): Uncertain significance (1 of 4 stars; one submission).

Conditions:
Maple syrup urine disease (MSUD). Identifiers: Orphanet 511, MedGen C0024776, MeSH D008375, MONDO:0009563. Disease mechanism: loss of function.

Submission:

Labcorp Genetics (formerly Invitae), Labcorp
Classification: Uncertain significance for Maple syrup urine disease. Last evaluated: 2021-08-22. Review status: criteria provided, single submitter. Criteria: Invitae Variant Classification Sherloc (09022015). Collection method: clinical testing. Allele origin: germline.
Comment: This sequence change replaces leucine with serine at codon 354 of the DBT protein (p.Leu354Ser). The leucine residue is highly conserved and there is a large physicochemical difference between leucine and serine. This variant is not present in population databases (ExAC no frequency). This variant has not been reported in the literature in individuals affected with DBT-related conditions. Advanced modeling of protein sequence and biophysical properties (such as structural, functional, and spatial information, amino acid conservation, physicochemical variation, residue mobility, and thermodynamic stability) performed at Invitae indicates that this missense variant is expected to disrupt DBT protein function. In summary, the available evidence is currently insufficient to determine the role of this variant in disease. Therefore, it has been classified as a Variant of Uncertain Significance.